The following is an entry in ClinVar:

NM_002907.4(RECQL):c.722T>C (p.Leu241Ser)

Gene: RECQL (RecQ like helicase; minus strand). Cytogenetic location: 12p12.1.
Variant type: single nucleotide variant.
Coding change: c.722T>C on transcript NM_002907.4 (MANE Select); coding-DNA position 722, T replaced by C.
Protein change: p.Leu241Ser; replaces leucine 241 with serine.
Molecular consequence: missense variant.
Genome position (GRCh38, 1-based): chr12:21,477,948, A>G on the plus strand (T>C on the coding strand, the complement: RECQL is on the minus strand). VCF-style: chr12-21477948-A-G. GRCh37 (hg19) VCF-style: chr12-21630882-A-G.
Other names: c.722T>C, p.Leu241Ser (NM_032941.3); short protein forms L241S.
Identifiers: ClinVar variation 4576941 (VCV004576941.1).

ClinVar aggregate classification (germline): Uncertain significance (1 of 4 stars; one submission).

Submission:

Ambry Genetics
Classification: Uncertain significance. Last evaluated: 2025-10-09. Review status: criteria provided, single submitter. Criteria: Ambry Variant Classification Scheme 2023. Collection method: clinical testing. Allele origin: germline.
Comment: The p.L241S variant (also known as c.722T>C), located in coding exon 6 of the RECQL gene, results from a T to C substitution at nucleotide position 722. The leucine at codon 241 is replaced by serine, an amino acid with dissimilar properties. This amino acid position is conserved. In addition, this alteration is predicted to be deleterious by in silico analysis. Based on the available evidence, the clinical significance of this variant remains unclear.